The following is an entry in ClinVar:

ClinVar aggregate classification (germline): Uncertain significance. Review status: criteria provided, multiple submitters, no conflicts (2 of 4 stars). 6 submissions from 6 submitters: Uncertain significance (5). 1 of the submissions does not count toward it. Last evaluated 2025-10-28.

Conditions:
Deficiency of alpha-mannosidase (MANSA). Also called: LYSOSOMAL ALPHA-D-MANNOSIDASE DEFICIENCY; Alpha-Mannosidosis; Mannosidosis, alpha-, types I and II. Identifiers: Orphanet 61, MedGen C0024748, MONDO:0009561, OMIM 248500.
MAN2B1-related disorder. Also called: MAN2B1-related condition.

Allele frequency attached by ClinVar (database versions not stated): ExAC 0.00019; gnomAD 0.00044; ESP Exome Variant Server 0.00069; gnomAD exomes 0.00023; TOPMed 0.00029.

Submissions (6):

PreventionGenetics, part of Exact Sciences
Classification: Uncertain significance for MAN2B1-related condition. Last evaluated: 2025-10-28. Review status: criteria provided, single submitter. Criteria: ACMG Guidelines, 2015. Collection method: clinical testing. Allele origin: germline.
Comment: The MAN2B1 c.2849G>A variant is predicted to result in the amino acid substitution p.Arg950His. To our knowledge, this variant has not been reported in the literature. This variant is reported in 0.039% of alleles in individuals of Ashkenazi Jewish descent in gnomAD. At this time, the clinical significance of this variant is uncertain due to the absence of conclusive functional and genetic evidence.

Labcorp Genetics (formerly Invitae), Labcorp
Classification: Uncertain significance for Deficiency of alpha-mannosidase. Last evaluated: 2022-10-17. Review status: criteria provided, single submitter. Criteria: Invitae Variant Classification Sherloc (09022015). Collection method: clinical testing. Allele origin: germline.
Comment: This sequence change replaces arginine, which is basic and polar, with histidine, which is basic and polar, at codon 950 of the MAN2B1 protein (p.Arg950His). This variant is present in population databases (rs139041112, gnomAD 0.03%). This variant has not been reported in the literature in individuals affected with MAN2B1-related conditions. ClinVar contains an entry for this variant (Variation ID: 890569). Advanced modeling of protein sequence and biophysical properties (such as structural, functional, and spatial information, amino acid conservation, physicochemical variation, residue mobility, and thermodynamic stability) performed at Invitae indicates that this missense variant is not expected to disrupt MAN2B1 protein function. In summary, the available evidence is currently insufficient to determine the role of this variant in disease. Therefore, it has been classified as a Variant of Uncertain Significance.

Fulgent Genetics
Classification: Uncertain significance for Deficiency of alpha-mannosidase. Last evaluated: 2021-09-16. Review status: criteria provided, single submitter. Criteria: ACMG Guidelines, 2015. Collection method: clinical testing. Allele origin: unknown.

Genome-Nilou Lab
Classification: Uncertain significance for Deficiency of alpha-mannosidase. Last evaluated: 2021-09-05. Review status: criteria provided, single submitter. Criteria: ACMG Guidelines, 2015. Collection method: clinical testing. Allele origin: germline. Affected: no.

Illumina Laboratory Services, Illumina
Classification: Uncertain significance for Deficiency of alpha-mannosidase. Last evaluated: 2017-04-27. Review status: criteria provided, single submitter. Criteria: ICSL Variant Classification Criteria 13 December 2019. Collection method: clinical testing. Allele origin: germline.

Natera, Inc.
Classification: Uncertain significance for Alpha-mannosidosis. Last evaluated: 2020-01-27. Review status: no assertion criteria provided. Collection method: clinical testing. Allele origin: germline. Not counted in ClinVar's aggregate classification.

NM_000528.4(MAN2B1):c.2849G>A (p.Arg950His)

Gene: MAN2B1 (mannosidase alpha class 2B member 1; minus strand). Cytogenetic location: 19p13.13.
Variant type: single nucleotide variant.
Coding change: c.2849G>A on transcript NM_000528.4 (MANE Select); coding-DNA position 2849, G replaced by A.
Protein change: p.Arg950His; replaces arginine 950 with histidine.
Molecular consequence: missense variant.
Genome position (GRCh38, 1-based): chr19:12,647,307, C>T on the plus strand (G>A on the coding strand, the complement: MAN2B1 is on the minus strand). VCF-style: chr19-12647307-C-T. GRCh37 (hg19) VCF-style: chr19-12758121-C-T.
Other names: c.2846G>A, p.Arg949His (NM_001173498.2); short protein forms R950H, R949H.
Identifiers: ClinVar variation 890569 (VCV000890569.14), dbSNP rs139041112, ClinGen allele CA9225894.